The following is an entry in ClinVar:

NM_004958.4(MTOR):c.3706A>C (p.Met1236Leu)

Gene: MTOR (mechanistic target of rapamycin kinase; minus strand). Cytogenetic location: 1p36.22.
Variant type: single nucleotide variant.
Coding change: c.3706A>C on transcript NM_004958.4 (MANE Select); coding-DNA position 3706, A replaced by C.
Protein change: p.Met1236Leu; replaces methionine 1236 with leucine.
Molecular consequence: missense variant.
Genome position (GRCh38, 1-based): chr1:11,209,407, T>G on the plus strand (A>C on the coding strand, the complement: MTOR is on the minus strand). VCF-style: chr1-11209407-T-G. GRCh37 (hg19) VCF-style: chr1-11269464-T-G.
Other names: c.3706A>C, p.Met1236Leu (NM_001386500.1); c.2458A>C, p.Met820Leu (NM_001386501.1); short protein forms M1236L, M820L.
Identifiers: ClinVar variation 2181933 (VCV002181933.3), dbSNP rs745651501, ClinGen allele CA590140.

ClinVar aggregate classification (germline): Uncertain significance (1 of 4 stars; one submission).

Allele frequency attached by ClinVar (database versions not stated): ExAC 0.00001.

Submission:

Labcorp Genetics (formerly Invitae), Labcorp
Classification: Uncertain significance. Last evaluated: 2024-03-04. Review status: criteria provided, single submitter. Criteria: Invitae Variant Classification Sherloc (09022015). Collection method: clinical testing. Allele origin: germline.
Comment: This sequence change replaces methionine, which is neutral and non-polar, with leucine, which is neutral and non-polar, at codon 1236 of the MTOR protein (p.Met1236Leu). This variant is present in population databases (rs745651501, gnomAD 0.04%). This variant has not been reported in the literature in individuals affected with MTOR-related conditions. ClinVar contains an entry for this variant (Variation ID: 2181933). Advanced modeling of protein sequence and biophysical properties (such as structural, functional, and spatial information, amino acid conservation, physicochemical variation, residue mobility, and thermodynamic stability) performed at Invitae indicates that this missense variant is not expected to disrupt MTOR protein function with a negative predictive value of 95%. In summary, the available evidence is currently insufficient to determine the role of this variant in disease. Therefore, it has been classified as a Variant of Uncertain Significance.